The following is an entry in ClinVar:

ClinVar aggregate classification (germline): Likely benign. Review status: criteria provided, multiple submitters, no conflicts (2 of 4 stars). 4 submissions from 4 submitters: Likely benign (4). Last evaluated 2026-01-28.

Allele frequency attached by ClinVar (database versions not stated): ESP Exome Variant Server 0.00046; ExAC 0.00070; gnomAD exomes 0.00076 and 0.00097; gnomAD 0.00086 and 0.00092; TOPMed 0.00096; 1000 Genomes Project 30x 0.00109; 1000 Genomes Project 0.00140.
gnomAD v4.1: 1,578 of 1,610,276 alleles (0.098%); highest among the groups gnomAD compares: Middle Eastern, 0.17%; 1 homozygote.

Submissions (4):

Labcorp Genetics (formerly Invitae), Labcorp
Classification: Likely benign. Last evaluated: 2026-01-28. Review status: criteria provided, single submitter. Criteria: Invitae Variant Classification Sherloc (09022015). Collection method: clinical testing. Allele origin: germline.

CeGaT Center for Human Genetics Tuebingen
Classification: Likely benign. Last evaluated: 2026-01-01. Review status: criteria provided, single submitter. Criteria: CeGaT Center For Human Genetics Tuebingen Variant Classification Criteria Version 2. Collection method: clinical testing. Allele origin: germline. Affected: yes. Observed: 5 variant alleles.
Comment: TBCK: BP4, BP7

Blueprint Genetics
Classification: Likely benign. Last evaluated: 2024-11-20. Review status: criteria provided, single submitter. Criteria: ACMG Guidelines, 2015. Collection method: clinical testing. Allele origin: germline.

Breakthrough Genomics
Classification: Likely benign. Review status: criteria provided, single submitter. Criteria: ACMG Guidelines, 2015. Collection method: not provided. Allele origin: germline. Inheritance: Autosomal recessive inheritance. Affected: yes.

NM_001163435.3(TBCK):c.1470C>T (p.Tyr490=)

Gene: TBCK (TBC1 domain containing kinase; minus strand). Cytogenetic location: 4q24.
Variant type: single nucleotide variant.
Coding change: c.1470C>T on transcript NM_001163435.3 (MANE Select); coding-DNA position 1470, C replaced by T.
Protein change: p.Tyr490=; no amino-acid change (tyrosine 490 retained).
Molecular consequence: synonymous variant.
Genome position (GRCh38, 1-based): chr4:106,233,630, G>A on the plus strand (C>T on the coding strand, the complement: TBCK is on the minus strand). VCF-style: chr4-106233630-G-A. GRCh37 (hg19) VCF-style: chr4-107154787-G-A.
Other names: c.1470C>T, p.Tyr490= (NM_001163436.4); c.1353C>T, p.Tyr451= (NM_001163437.3); c.954C>T, p.Tyr318= (NM_001290768.2); c.1281C>T, p.Tyr427= (NM_033115.5).
Identifiers: ClinVar variation 733288 (VCV000733288.48), dbSNP rs56118383, ClinGen allele CA3035047.
Genomic context (GRCh38, chr4:106,233,630, plus strand): 5'-AGAAAACCTAAATCATACTTGTCTATCTGTAGGAATTGGAGTGTCTTTATCAATTGCATC[G>A]TACTTGGCATGAATAGCTCCCTGCAAAAAATAAAAGAAGATATATTAATTTATCATATCC-3'
Protein context (NP_001156907.2, residues 480-500): LGVEGAIHAK[Tyr490=]DAIDKDTPIP